The following is an entry in ClinVar:

ClinVar aggregate classification (germline): Conflicting classifications of pathogenicity. Review status: criteria provided, conflicting classifications (1 of 4 stars). 5 submissions from 5 submitters: Uncertain significance (3); Likely benign (2). Last evaluated 2025-07-01.

Conditions:
Catecholaminergic polymorphic ventricular tachycardia (CVPT). Also called: Catecholamine-induced polymorphic ventricular tachycardia. Identifiers: Orphanet 3286, MedGen C5574922, MONDO:0017990.
Cardiomyopathy (CMYO). Also called: Cardiomyopathies. Identifiers: Orphanet 167848, MedGen C0878544, MONDO:0004994, HP:0001638. Inheritance: Various modes of inheritance.
Arrhythmogenic right ventricular dysplasia 2. Identifiers: MedGen C1832931.
Ventricular arrhythmias due to cardiac ryanodine receptor calcium release deficiency syndrome. Also called: Autosomal dominant cardiac arrhythmia (Kuhn). Identifiers: MedGen C5542154, MONDO:0020745, OMIM 115000.
Catecholaminergic polymorphic ventricular tachycardia 1. Also called: VENTRICULAR TACHYCARDIA, CATECHOLAMINERGIC POLYMORPHIC, 1, WITH OR WITHOUT ATRIAL DYSFUNCTION AND/OR DILATED CARDIOMYOPATHY; VENTRICULAR TACHYCARDIA, STRESS-INDUCED POLYMORPHIC 1; RYR2-Related Catecholaminergic Polymorphic Ventricular Tachycardia. Identifiers: Orphanet 3286, MedGen C1631597, MONDO:0011484, OMIM 604772.
Hypertrophic cardiomyopathy. Also called: HYPERTROPHIC MYOCARDIOPATHY. Identifiers: Orphanet 217569, MedGen C0007194, MeSH D002312, MONDO:0005045, HP:0001639.

Allele frequency attached by ClinVar (database versions not stated): TOPMed below 0.00001; gnomAD 0.00001; gnomAD exomes 0.00001; ExAC 0.00002.
gnomAD v4.1: 11 of 1,613,570 alleles (0.00068%); highest among the groups gnomAD compares: East Asian, 0.0067%; no homozygotes.

Submissions (5):

Color Diagnostics, LLC DBA Color Health
Classification: Likely benign for Cardiomyopathy. Last evaluated: 2025-07-01. Review status: criteria provided, single submitter. Criteria: ACMG Guidelines, 2015. Collection method: clinical testing. Allele origin: germline.

All of Us Research Program, National Institutes of Health
Classification: Uncertain significance for Catecholaminergic polymorphic ventricular tachycardia. Last evaluated: 2023-04-27. Review status: criteria provided, single submitter. Criteria: ACMG Guidelines, 2015. Collection method: clinical testing. Allele origin: germline. Inheritance: Autosomal dominant inheritance. Observed: 1 variant allele, 1 heterozygote.
Comment: This missense variant replaces arginine with cysteine at codon 1463 of the RYR2 protein. Computational prediction suggests that this variant may not impact protein structure and function (internally defined REVEL score threshold <= 0.5, PMID: 27666373). To our knowledge, functional studies have not been reported for this variant. This variant has not been reported in individuals affected with cardiovascular disorders in the literature. This variant has been identified in 3/249004 chromosomes in the general population by the Genome Aggregation Database (gnomAD). The available evidence is insufficient to determine the role of this variant in disease conclusively. Therefore, this variant is classified as a Variant of Uncertain Significance.

This study involves interpretation of variants in research participants for the purpose of population health screening. Participant phenotype was not available at the time of variant classification. Additional details can be found in publication PMID: 35346344, PMCID: PMC8962531

Labcorp Genetics (formerly Invitae), Labcorp
Classification: Likely benign for Catecholaminergic polymorphic ventricular tachycardia 1. Last evaluated: 2022-03-19. Review status: criteria provided, single submitter. Criteria: Invitae Variant Classification Sherloc (09022015). Collection method: clinical testing. Allele origin: germline.

Fulgent Genetics
Classification: Uncertain significance for Ventricular arrhythmias due to cardiac ryanodine receptor calcium release deficiency syndrome; Catecholaminergic polymorphic ventricular tachycardia 1. Last evaluated: 2021-08-05. Review status: criteria provided, single submitter. Criteria: ACMG Guidelines, 2015. Collection method: clinical testing. Allele origin: unknown.

Center for Human Genetics, University of Leuven
Classification: Uncertain significance for Hypertrophic cardiomyopathy. Last evaluated: 2018-10-31. Review status: criteria provided, single submitter. Criteria: ACMG Guidelines, 2015. Collection method: clinical testing. Allele origin: germline. Affected: yes.

NM_001035.3(RYR2):c.4387C>T (p.Arg1463Cys)

Gene: RYR2 (ryanodine receptor 2; plus strand). Cytogenetic location: 1q43.
Variant type: single nucleotide variant.
Coding change: c.4387C>T on transcript NM_001035.3 (MANE Select); coding-DNA position 4387, C replaced by T.
Protein change: p.Arg1463Cys; replaces arginine 1463 with cysteine.
Molecular consequence: missense variant.
Genome position (GRCh38, 1-based): chr1:237,593,587, C>T. VCF-style: chr1-237593587-C-T. GRCh37 (hg19) VCF-style: chr1-237756887-C-T.
Other names: c.4387C>T, p.Arg1463Cys (LRG_402t1); short protein forms R1463C.
Identifiers: ClinVar variation 580627 (VCV000580627.16), dbSNP rs764144130, ClinGen allele CA086601.